The following is an entry in ClinVar:

ClinVar aggregate classification (germline): Conflicting classifications of pathogenicity. Review status: criteria provided, conflicting classifications (1 of 4 stars). 4 submissions from 4 submitters: Uncertain significance (3); Likely benign (1). Last evaluated 2026-08-20.

Conditions:
Autosomal recessive Alport syndrome (ATS2). Also called: COL4A4 Alport Syndrome and Thin Basement Membrane Nephropathy; COL4A3-Related Nephropathy; ALPORT SYNDROME 2, AUTOSOMAL RECESSIVE; Alport syndrome type 2. Identifiers: Orphanet 63, Orphanet 88919, MedGen C4746745, MONDO:0008762, OMIM 203780.
Hematuria, benign familial, 1 (BFH1). Also called: THIN MEMBRANE NEPHROPATHY. Identifiers: MedGen CN376803, MONDO:0007709, OMIM 141200.
COL4A4-related disorder.

Allele frequency attached by ClinVar (database versions not stated): gnomAD 0.00001; ExAC 0.00003; TOPMed 0.00004.
gnomAD v4.1: 24 of 1,613,804 alleles (0.0015%); highest among the groups gnomAD compares: South Asian, 0.0099%; no homozygotes.

Submissions (4):

GeneDx
Classification: Uncertain significance. Last evaluated: 2026-08-20. Review status: criteria provided, single submitter. Criteria: GeneDx Variant Classification Process June 2021. Collection method: clinical testing. Allele origin: germline.
Comment: In silico analysis suggests that this missense variant does not alter protein structure/function; Has not been previously published as pathogenic or benign to our knowledge

PreventionGenetics, part of Exact Sciences
Classification: Uncertain significance for COL4A4-related condition. Last evaluated: 2026-01-02. Review status: criteria provided, single submitter. Criteria: ACMG Guidelines, 2015. Collection method: clinical testing. Allele origin: germline.
Comment: The COL4A4 c.4679G>A variant is predicted to result in the amino acid substitution p.Arg1560His. This variant was reported in a genetic study of children with nephrotic syndrome submitted to renal transplant (Table S2, Feltran et al. 2017. PubMed ID: 28658201). Of note, a different substitution at the same codon, defined as c.4678C>T (p.Arg1560Cys), was reported in the heterozygous state in an individual with end stage kidney disease (ESKD) (Al-Hamed et al. 2022. PubMed ID: 36177613). The c.4679G>A (p.Arg1560His) variant is reported in 0.0098% of alleles in individuals of South Asian descent in gnomAD. At this time, the clinical significance of this variant is uncertain due to the absence of conclusive functional and genetic evidence.

Labcorp Genetics (formerly Invitae), Labcorp
Classification: Likely benign. Last evaluated: 2024-08-05. Review status: criteria provided, single submitter. Criteria: Invitae Variant Classification Sherloc (09022015). Collection method: clinical testing. Allele origin: germline.

Fulgent Genetics
Classification: Uncertain significance for Hematuria, benign familial, 1; Autosomal recessive Alport syndrome. Last evaluated: 2024-04-05. Review status: criteria provided, single submitter. Criteria: ACMG Guidelines, 2015. Collection method: clinical testing. Allele origin: germline.

NM_000092.5(COL4A4):c.4679G>A (p.Arg1560His)

Gene: COL4A4 (collagen type IV alpha 4 chain; minus strand). Cytogenetic location: 2q36.3.
Variant type: single nucleotide variant.
Coding change: c.4679G>A on transcript NM_000092.5 (MANE Select); coding-DNA position 4679, G replaced by A.
Protein change: p.Arg1560His; replaces arginine 1560 with histidine.
Molecular consequence: missense variant.
Genome position (GRCh38, 1-based): chr2:227,008,148, C>T on the plus strand (G>A on the coding strand, the complement: COL4A4 is on the minus strand). VCF-style: chr2-227008148-C-T. GRCh37 (hg19) VCF-style: chr2-227872864-C-T.
Other names: short protein forms R1560H.
Identifiers: ClinVar variation 2199326 (VCV002199326.8), dbSNP rs747362746, ClinGen allele CA2144097.